The following is an entry in ClinVar:

ClinVar aggregate classification (germline): Pathogenic/Likely pathogenic. Review status: criteria provided, multiple submitters, no conflicts (2 of 4 stars). 2 submissions from 2 submitters: Pathogenic (1); Likely pathogenic (1). Last evaluated 2023-08-08.

Conditions:
Ataxia-telangiectasia syndrome (AT). Also called: LOUIS-BAR SYNDROME; Cerebello-oculocutaneous telangiectasia; Immunodeficiency with ataxia telangiectasia; Ataxia-telangiectasia, complementation group E; Ataxia-telangiectasia, complementation group D; AT, COMPLEMENTATION GROUP C. Identifiers: Orphanet 100, MedGen C0004135, MONDO:0008840, OMIM 208900.
Familial cancer of breast. Also called: BREAST CANCER, FAMILIAL; Hereditary breast cancer; hereditary breast carcinoma. Identifiers: Orphanet 227535, MedGen C0346153, MONDO:0016419, OMIM 114480. Disease mechanism: loss of function.

Allele frequency attached by ClinVar (database versions not stated): gnomAD exomes below 0.00001.
gnomAD v4.1: 2 of 1,613,518 alleles (0.00012%); highest among the groups gnomAD compares: Non-Finnish European, 0.00017%; no homozygotes.

Submissions (2):

Labcorp Genetics (formerly Invitae), Labcorp
Classification: Pathogenic for Ataxia-telangiectasia syndrome. Last evaluated: 2023-08-08. Review status: criteria provided, single submitter. Criteria: Invitae Variant Classification Sherloc (09022015). Collection method: clinical testing. Allele origin: germline.
Comment: For these reasons, this variant has been classified as Pathogenic. This variant has not been reported in the literature in individuals affected with ATM-related conditions. This variant is not present in population databases (gnomAD no frequency). This sequence change creates a premature translational stop signal (p.Lys2530*) in the ATM gene. It is expected to result in an absent or disrupted protein product. Loss-of-function variants in ATM are known to be pathogenic (PMID: 23807571, 25614872).

Baylor Genetics
Classification: Likely pathogenic for Familial cancer of breast. Last evaluated: 2021-10-12. Review status: criteria provided, single submitter. Criteria: ACMG Guidelines, 2015. Collection method: clinical testing. Allele origin: unknown.

Literature cited by the submitters: PubMed 23807571 (cited by Labcorp Genetics (formerly Invitae), Labcorp); PubMed 25614872 (cited by Labcorp Genetics (formerly Invitae), Labcorp).

NM_000051.4(ATM):c.7588A>T (p.Lys2530Ter)

Genes: ATM (ATM serine/threonine kinase; plus strand), C11orf65 (chromosome 11 open reading frame 65; minus strand). Cytogenetic location: 11q22.3.
Variant type: single nucleotide variant.
Coding change: c.7588A>T on transcript NM_000051.4 (MANE Select); coding-DNA position 7588, A replaced by T.
Protein change: p.Lys2530Ter; replaces lysine 2530 with a stop codon.
Molecular consequence: nonsense. On other transcripts: non-coding transcript variant (1), intron variant (2).
Genome position (GRCh38, 1-based): chr11:108,331,516, A>T. VCF-style: chr11-108331516-A-T. GRCh37 (hg19) VCF-style: chr11-108202243-A-T.
Other names: c.7588A>T, p.Lys2530Ter (NM_001351834.2); c.641-22445T>A (NM_001330368.2); c.*38+3704T>A (NM_001351110.2); short protein forms K2530*.
Identifiers: ClinVar variation 2679781 (VCV002679781.4), dbSNP rs2086231222, ClinGen allele CA382560787.